The following is an entry in ClinVar:

ClinVar aggregate classification (germline): Uncertain significance (1 of 4 stars; one submission).

gnomAD v4.1: 18 of 1,612,956 alleles (0.0011%); highest among the groups gnomAD compares: African/African-American, 0.012%; no homozygotes.

Submission:

GeneDx
Classification: Uncertain significance. Last evaluated: 2025-02-24. Review status: criteria provided, single submitter. Criteria: GeneDx Variant Classification Process June 2021. Collection method: clinical testing. Allele origin: germline. Affected: yes.
Comment: Not observed at significant frequency in large population cohorts (gnomAD); In silico analysis supports that this missense variant has a deleterious effect on protein structure/function; Has not been previously published as pathogenic or benign to our knowledge; Also known as p.(R882Q)

NM_000096.4(CP):c.2702G>A (p.Arg901Gln)

Gene: CP (ceruloplasmin; minus strand). Cytogenetic location: 3q24.
Variant type: single nucleotide variant.
Coding change: c.2702G>A on transcript NM_000096.4 (MANE Select); coding-DNA position 2702, G replaced by A.
Protein change: p.Arg901Gln; replaces arginine 901 with glutamine.
Molecular consequence: missense variant. On other transcripts: non-coding transcript variant (1).
Genome position (GRCh38, 1-based): chr3:149,178,591, C>T on the plus strand (G>A on the coding strand, the complement: CP is on the minus strand). VCF-style: chr3-149178591-C-T. GRCh37 (hg19) VCF-style: chr3-148896378-C-T.
Other names: short protein forms R901Q.
Identifiers: ClinVar variation 4076927 (VCV004076927.1).